The following is an entry in ClinVar:

NM_025077.4(TOE1):c.344C>T (p.Ser115Phe)

Gene: TOE1 (target of EGR1, exonuclease; plus strand). Cytogenetic location: 1p34.1.
Variant type: single nucleotide variant.
Coding change: c.344C>T on transcript NM_025077.4 (MANE Select); coding-DNA position 344, C replaced by T.
Protein change: p.Ser115Phe; replaces serine 115 with phenylalanine.
Molecular consequence: missense variant.
Genome position (GRCh38, 1-based): chr1:45,341,959, C>T. VCF-style: chr1-45341959-C-T. GRCh37 (hg19) VCF-style: chr1-45807631-C-T.
Other names: short protein forms S115F.
Identifiers: ClinVar variation 2051918 (VCV002051918.2), dbSNP rs141307727, ClinGen allele CA826548.

ClinVar aggregate classification (germline): Uncertain significance (1 of 4 stars; one submission).

Allele frequency attached by ClinVar (database versions not stated): gnomAD exomes 0.00005; ExAC 0.00011; ESP Exome Variant Server 0.00023; gnomAD 0.00028; TOPMed 0.00042; 1000 Genomes Project 0.00060; 1000 Genomes Project 30x 0.00062.

Submission:

Labcorp Genetics (formerly Invitae), Labcorp
Classification: Uncertain significance. Last evaluated: 2023-08-30. Review status: criteria provided, single submitter. Criteria: Invitae Variant Classification Sherloc (09022015). Collection method: clinical testing. Allele origin: germline.
Comment: In summary, the available evidence is currently insufficient to determine the role of this variant in disease. Therefore, it has been classified as a Variant of Uncertain Significance. This variant is present in population databases (rs141307727, gnomAD 0.1%). This sequence change replaces serine, which is neutral and polar, with phenylalanine, which is neutral and non-polar, at codon 115 of the TOE1 protein (p.Ser115Phe). This variant has not been reported in the literature in individuals affected with TOE1-related conditions. ClinVar contains an entry for this variant (Variation ID: 2051918). Advanced modeling of protein sequence and biophysical properties (such as structural, functional, and spatial information, amino acid conservation, physicochemical variation, residue mobility, and thermodynamic stability) performed at Invitae indicates that this missense variant is not expected to disrupt TOE1 protein function.